The following is an entry in ClinVar:

NM_001018005.2(TPM1):c.559G>C (p.Glu187Gln)

Gene: TPM1 (tropomyosin 1; plus strand). Cytogenetic location: 15q22.2.
Variant type: single nucleotide variant.
Coding change: c.559G>C on transcript NM_001018005.2 (MANE Select); coding-DNA position 559, G replaced by C.
Protein change: p.Glu187Gln; replaces glutamic acid 187 with glutamine.
Molecular consequence: missense variant.
Genome position (GRCh38, 1-based): chr15:63,060,935, G>C. VCF-style: chr15-63060935-G-C. GRCh37 (hg19) VCF-style: chr15-63353134-G-C.
Other names: c.559G>C, p.Glu187Gln (NM_000366.6, NM_001018004.2, NM_001018006.2 and 6 more transcripts); c.451G>C, p.Glu151Gln (NM_001018008.2, NM_001301289.2, NM_001330344.2 and 5 more transcripts); c.685G>C, p.Glu229Gln (NM_001365778.1); short protein forms E187Q, E229Q, E151Q.
Identifiers: ClinVar variation 177659 (VCV000177659.5), dbSNP rs727504264, ClinGen allele CA018131.
Genomic context (GRCh38, chr15:63,060,935, plus strand): 5'-CGTAAGCTGGTCATCATTGAGAGCGACCTGGAACGTGCAGAGGAGCGGGCTGAGCTCTCA[G>C]AAGGGTAAGCGGGCCCGGCGCCAGGAGGCCACGAATGGGGTGCTGCAGAGCAGTGACTAA-3'
Protein context (NP_001018005.1, residues 177-197): ERAEERAELS[Glu187Gln]GKCAELEEEL

ClinVar aggregate classification (germline): Likely pathogenic (0 of 4 stars; one submission).

Conditions:
Hypertrophic cardiomyopathy. Also called: HYPERTROPHIC MYOCARDIOPATHY. Identifiers: Orphanet 217569, MedGen C0007194, MeSH D002312, MONDO:0005045, HP:0001639.

Submission:

Laboratory for Molecular Medicine, Mass General Brigham Personalized Medicine
Classification: Likely pathogenic for Hypertrophic cardiomyopathy. Last evaluated: 2013-02-08. Review status: no assertion criteria provided. Collection method: clinical testing. Allele origin: germline. Inheritance: Autosomal dominant inheritance. Observed: 2 variant alleles.
Comment: proposed classification - variant undergoing re-assessment, contact laboratory